The following is an entry in ClinVar:

ClinVar aggregate classification (germline): Conflicting classifications of pathogenicity. Review status: criteria provided, conflicting classifications (1 of 4 stars). 3 submissions from 3 submitters: Uncertain significance (1); Likely benign (2). Last evaluated 2026-02-01.

Conditions:
Long QT syndrome (LQTS). Identifiers: MedGen C0023976, MeSH D008133, MONDO:0002442. Disease mechanism: loss of function. Inheritance: Various modes of inheritance.

Allele frequency attached by ClinVar (database versions not stated): ExAC 0.00001; gnomAD 0.00001; gnomAD exomes 0.00001.
gnomAD v4.1: 11 of 1,612,990 alleles (0.00068%); highest among the groups gnomAD compares: Middle Eastern, 0.017%; no homozygotes.

Submissions (3):

CeGaT Center for Human Genetics Tuebingen
Classification: Likely benign. Last evaluated: 2026-02-01. Review status: criteria provided, single submitter. Criteria: CeGaT Center For Human Genetics Tuebingen Variant Classification Criteria Version 2. Collection method: clinical testing. Allele origin: germline. Affected: yes. Observed: 2 variant alleles.
Comment: CACNA1C: BP4

Labcorp Genetics (formerly Invitae), Labcorp
Classification: Likely benign for Long QT syndrome. Last evaluated: 2025-10-19. Review status: criteria provided, single submitter. Criteria: Invitae Variant Classification Sherloc (09022015). Collection method: clinical testing. Allele origin: germline.

ARUP Laboratories, Molecular Genetics and Genomics, ARUP Laboratories
Classification: Uncertain significance. Last evaluated: 2016-09-04. Review status: criteria provided, single submitter. Criteria: ARUP Molecular Germline Variant Investigation Process. Collection method: clinical testing. Allele origin: germline.

NM_000719.7(CACNA1C):c.6019G>A (p.Ala2007Thr)

Genes: CACNA1C (calcium voltage-gated channel subunit alpha1 C; plus strand), CACNA1C-AS1 (CACNA1C antisense RNA 1; minus strand). Cytogenetic location: 12p13.33.
Variant type: single nucleotide variant.
Coding change: c.6019G>A on transcript NM_000719.7 (MANE Select); coding-DNA position 6019, G replaced by A.
Protein change: p.Ala2007Thr; replaces alanine 2007 with threonine.
Molecular consequence: missense variant.
Genome position (GRCh38, 1-based): chr12:2,688,681, G>A. VCF-style: chr12-2688681-G-A. GRCh37 (hg19) VCF-style: chr12-2797847-G-A.
Other names: c.6163G>A, p.Ala2055Thr (NM_001129827.2); c.6142G>A, p.Ala2048Thr (NM_001129829.2); c.6124G>A, p.Ala2042Thr (NM_001129830.3, NM_001167624.3); c.6103G>A, p.Ala2035Thr (NM_001129831.2); c.6079G>A, p.Ala2027Thr (NM_001129832.2); c.6076G>A, p.Ala2026Thr (NM_001129833.2, NM_001129834.2, NM_001129835.2); c.6070G>A, p.Ala2024Thr (NM_001129836.2); c.6043G>A, p.Ala2015Thr (NM_001129837.2, NM_001129838.2); and 6 more; short protein forms A2007T, A2042T, A2055T, A2013T, A2015T, A1996T, A2026T, A2090T.
Identifiers: ClinVar variation 439454 (VCV000439454.41), dbSNP rs750411964, ClinGen allele CA6390052.
Genomic context (GRCh38, chr12:2,688,681, plus strand): 5'-TTCCCATCCATCCACTGCGGCTCCTGGGCTGAGACCACCCCCGGTGGCGGGGGCAGCAGC[G>A]CCGCCCGGAGAGTCCGGCCCGTCTCCCTCATGGTGCCCAGCCAGGCTGGGGCCCCAGGGA-3'
Protein context (NP_000710.5, residues 1997-2017): ETTPGGGGSS[Ala2007Thr]ARRVRPVSLM